The following is an entry in ClinVar:

NM_001009944.3(PKD1):c.348_352del (p.Asn116fs)

Gene: PKD1 (polycystin 1, transient receptor potential channel interacting; minus strand). Cytogenetic location: 16p13.3.
Variant type: Microsatellite.
Coding change: c.348_352del on transcript NM_001009944.3 (MANE Select); coding-DNA positions 348 to 352, 5 bases deleted (TTTAA; older notation c.348_352delTTTAA).
Protein change: p.Asn116fs; shifts the reading frame from asparagine 116.
Molecular consequence: frameshift variant.
Genome position (GRCh38, 1-based): chr16:2,119,121-2,119,125, TTAAA deleted on the plus strand (TTTAA on the coding strand, the reverse complement: PKD1 is on the minus strand); deleting any 5 consecutive bases within chr16:2,119,121-2,119,131 gives the same sequence; the c. name uses the placement nearest the transcript's 3' end. VCF-style (leftmost placement, unchanged base first): chr16-2119120-CTTAAA-C. GRCh37 (hg19) VCF-style: chr16-2169121-CTTAAA-C.
Other names: c.348_352delTTTAA (NM_001009944.2, NM_001009944.3); c.348_352del, p.Asn116fs (NM_000296.4); short protein forms N116fs.
Identifiers: ClinVar variation 873374 (VCV000873374.11), dbSNP rs2092683596, ClinGen allele CA1139664409.
Genomic context (GRCh38, chr16:2,119,120, plus strand): 5'-GATATTGGGGGCCTGGGGTCCAGCCAGGACCCCACCCAAAGAACCACAACTTACATTTCA[CTTAAA>C]TTAAATAAATTAGCAAATATTCCTTCTTCTAACGTAGAAATCTTGTTGTTGCTTATATCC-3'

ClinVar aggregate classification (germline): Pathogenic. Review status: criteria provided, multiple submitters, no conflicts (2 of 4 stars). 9 submissions from 8 submitters: Pathogenic (8). 1 of the submissions does not count toward it. Last evaluated 2025-09-02.

Conditions:
PKD1-related disorder. Also called: PKD1-related condition.
Polycystic kidney disease, adult type (PKD1). Also called: POLYCYSTIC KIDNEY DISEASE 1 WITH OR WITHOUT POLYCYSTIC LIVER DISEASE; Polycystic Kidney Disease 1, Autosomal Dominant; Polycystic kidney disease 1; Polycystic kidney disease 1, severe; Polycystic Kidney, Autosomal Dominant; POLYCYSTIC KIDNEY DISEASE, ADULT, TYPE I. Identifiers: MedGen C3149841, MONDO:0008263, OMIM 173900.
Polycystic kidney disease. Also called: Polycystic kidney dysplasia; Kidney, Polycystic. Identifiers: MedGen C0022680, MeSH D007690, MONDO:0020642, HP:0000113.

Submissions (9):

Women's Health and Genetics/Laboratory Corporation of America, LabCorp
Classification: Pathogenic for Polycystic kidney disease, adult type. Last evaluated: 2025-09-02. Review status: criteria provided, single submitter. Criteria: LabCorp Variant Classification Summary - May 2015. Collection method: clinical testing. Allele origin: germline.
Comment: Variant summary: PKD1 c.348_352delTTTAA (p.Asn116LysfsX2) results in a premature termination codon, predicted to cause a truncation of the encoded protein or absence of the protein due to nonsense mediated decay, which are commonly known mechanisms for disease. The variant was absent in 149554 control chromosomes (gnomAD). c.348_352delTTTAA has been observed in individuals affected with Polycystic Kidney Disease 1 (Garcia-Gonzalez_2007, Xu_2018). These data indicate that the variant may be associated with disease. To our knowledge, no experimental evidence demonstrating an impact on protein function has been reported. The following publications have been ascertained in the context of this evaluation (PMID: 17574468, 29529603). ClinVar contains an entry for this variant (Variation ID: 873374). Based on the evidence outlined above, the variant was classified as pathogenic.

GeneDx
Classification: Pathogenic. Last evaluated: 2025-01-02. Review status: criteria provided, single submitter. Criteria: GeneDx Variant Classification Process June 2021. Collection method: clinical testing. Allele origin: germline. Affected: yes.
Comment: Frameshift variant predicted to result in protein truncation or nonsense mediated decay in a gene for which loss of function is a known mechanism of disease; Not observed at significant frequency in large population cohorts (gnomAD); This variant is associated with the following publications: (PMID: 29529603, 22383692, 33454723, 33437033, 33111320, 17574468, 34739738, 34716216)

Blueprint Genetics
Classification: Pathogenic for PKD1-related disorders. Last evaluated: 2024-05-16. Review status: criteria provided, single submitter. Criteria: ACMG Guidelines, 2015. Collection method: clinical testing. Allele origin: germline. Affected: yes. Observed: 3 variant alleles.

Fulgent Genetics
Classification: Pathogenic for Polycystic kidney disease, adult type. Last evaluated: 2021-10-28. Review status: criteria provided, single submitter. Criteria: ACMG Guidelines, 2015. Collection method: clinical testing. Allele origin: unknown.

Cavalleri Lab, Royal College of Surgeons in Ireland
Classification: Pathogenic for Polycystic kidney disease. Last evaluated: 2020-05-28. Review status: criteria provided, single submitter. Criteria: ACMG Guidelines, 2015. Collection method: research. Allele origin: unknown. Inheritance: Autosomal dominant inheritance. Affected: yes. Observed: 1 variant allele.
Comment: PVS1, PM2

Cavalleri Lab, Royal College of Surgeons in Ireland
Classification: Pathogenic for Polycystic kidney disease, adult type. Last evaluated: 2020-02-05. Review status: criteria provided, single submitter. Criteria: ACMG Guidelines, 2015. Collection method: research. Allele origin: unknown. Inheritance: Autosomal dominant inheritance. Affected: yes.
Comment: the same text as in the submission from Cavalleri Lab, Royal College of Surgeons in Ireland above.

Molecular Genetics of Inherited Kidney Disorders Laboratory, Garvan Institute of Medical Research
Classification: Pathogenic. Last evaluated: 2019-01-01. Review status: criteria provided, single submitter. Criteria: ACMG Guidelines, 2015. Collection method: clinical testing. Allele origin: germline. Affected: yes.

Juno Genomics, Hangzhou Juno Genomics, Inc
Classification: Pathogenic for Polycystic kidney disease, adult type. Review status: criteria provided, single submitter. Criteria: ACMG Guidelines, 2015. Collection method: clinical testing. Allele origin: germline. Affected: yes.
Comment: Absent from controls (or at extremely low frequency if recessive) in Genome Aggregation Database.;Null variant in a gene where loss of function (LOF) is a known mechanism of disease.;The prevalence of the variant in affected individuals is significantly increased compared to the prevalence in controls.;Patient's phenotype or family history is highly specific for a disease with a single genetic etiology.

Department of Pathology and Laboratory Medicine, Sinai Health System
Classification: Pathogenic for Polycystic Kidney disease. Review status: no assertion criteria provided. Collection method: clinical testing. Allele origin: unknown. Affected: yes. Study: The Canadian Open Genetics Repository (COGR). Not counted in ClinVar's aggregate classification.
Comment: The PKD1 p.Asn116LysfsX2 variant was identified in 2 of 566 proband chromosomes (frequency: 0.004) from individuals or families with ADPKD, and was not identified in 39 control chromosomes from healthy individuals (Rossetti 2012, Trujillano 2014). The variant was also identified in the ADPKD Mutation Database 2x as definitely pathogenic. The variant was not identified in dbSNP, the 1000 Genomes Project, the NHLBI Exome Sequencing Project, the Exome Aggregation Consortium, GeneInsight COGR, ClinVar, Clinvitae, MutDB, PKD1-LOVD, or PKD1-LOVD 3.0. The c.348_352del variant is predicted to cause a frameshift, which alters the protein amino acid sequence beginning at codon 116 and leads to a premature stop codon 2 codons downstream. This alteration is then predicted to result in a truncated or absent protein and loss of function. Loss of function variants of the PKD1 gene are an established mechanism of disease in autosomal dominant polycystic kidney disease and is the type of variant expected to cause the disorder. In summary, based on the above information, this variant meets our laboratoryâ€šÃ„Ã´s criteria to be classified as pathogenic.

Literature cited by the submitters: PubMed 17574468 (cited by Women's Health and Genetics/Laboratory Corporation of America, LabCorp); PubMed 29529603 (cited by Women's Health and Genetics/Laboratory Corporation of America, LabCorp).